The following is an entry in ClinVar:

NM_001368809.2(AMPD2):c.1192C>T (p.Arg398Cys)

Genes: AMPD2 (adenosine monophosphate deaminase 2; plus strand), LOC126805822 (BRD4-independent group 4 enhancer GRCh37_chr1:110170748-110171947; plus strand). Cytogenetic location: 1p13.3.
Variant type: single nucleotide variant.
Coding change: c.1192C>T on transcript NM_001368809.2 (MANE Select); coding-DNA position 1192, C replaced by T.
Protein change: p.Arg398Cys; replaces arginine 398 with cysteine.
Molecular consequence: missense variant.
Genome position (GRCh38, 1-based): chr1:109,628,194, C>T. VCF-style: chr1-109628194-C-T. GRCh37 (hg19) VCF-style: chr1-110170816-C-T.
Other names: c.1354C>T (NM_001257360.1, NM_004037.6); c.1000C>T, p.Arg334Cys (NM_001257361.2); c.1129C>T, p.Arg377Cys (NM_001308170.1); c.1192C>T, p.Arg398Cys (NM_004037.9); c.1111C>T, p.Arg371Cys (NM_139156.4); short protein forms R334C, R371C, R377C, R398C.
Identifiers: ClinVar variation 578069 (VCV000578069.11), dbSNP rs570605098, ClinGen allele CA993040.

ClinVar aggregate classification (germline): Uncertain significance. Review status: criteria provided, multiple submitters, no conflicts (2 of 4 stars). 5 submissions from 4 submitters: Uncertain significance (5). Last evaluated 2024-02-17.

Conditions:
Pontocerebellar hypoplasia type 9. Identifiers: Orphanet 369920, MedGen C4014354, MONDO:0014351, OMIM 615809.
Hereditary spastic paraplegia 63. Also called: Spastic paraplegia 63, autosomal recessive. Identifiers: Orphanet 401805, MedGen C3810295, MONDO:0014305, OMIM 615686.
Inborn genetic diseases. Identifiers: MedGen C0950123, MeSH D030342.

Allele frequency attached by ClinVar (database versions not stated): gnomAD exomes 0.00003 and 0.00009; ExAC 0.00007; 1000 Genomes Project 0.00020; gnomAD 0.00026; 1000 Genomes Project 30x 0.00031; TOPMed 0.00055.
gnomAD v4.1: 101 of 1,614,024 alleles (0.0063%); highest among the groups gnomAD compares: Admixed American, 0.088%; no homozygotes.

Submissions (5):

Labcorp Genetics (formerly Invitae), Labcorp
Classification: Uncertain significance for Pontocerebellar hypoplasia type 9; Hereditary spastic paraplegia 63. Last evaluated: 2024-02-17. Review status: criteria provided, single submitter. Criteria: Invitae Variant Classification Sherloc (09022015). Collection method: clinical testing. Allele origin: germline.
Comment: This sequence change replaces arginine, which is basic and polar, with cysteine, which is neutral and slightly polar, at codon 452 of the AMPD2 protein (p.Arg452Cys). This variant is present in population databases (rs570605098, gnomAD 0.03%). This variant has not been reported in the literature in individuals affected with AMPD2-related conditions. ClinVar contains an entry for this variant (Variation ID: 578069). An algorithm developed to predict the effect of missense changes on protein structure and function (PolyPhen-2) suggests that this variant is likely to be disruptive. In summary, the available evidence is currently insufficient to determine the role of this variant in disease. Therefore, it has been classified as a Variant of Uncertain Significance.

GeneDx
Classification: Uncertain significance. Last evaluated: 2023-12-07. Review status: criteria provided, single submitter. Criteria: GeneDx Variant Classification Process June 2021. Collection method: clinical testing. Allele origin: germline. Affected: yes.
Comment: In silico analysis supports that this missense variant has a deleterious effect on protein structure/function; Has not been previously published as pathogenic or benign to our knowledge

Genome-Nilou Lab
Classification: Uncertain significance for Hereditary spastic paraplegia 63. Last evaluated: 2023-04-11. Review status: criteria provided, single submitter. Criteria: ACMG Guidelines, 2015. Collection method: clinical testing. Allele origin: germline. Affected: no.

Genome-Nilou Lab
Classification: Uncertain significance for Pontocerebellar hypoplasia type 9. Last evaluated: 2023-04-11. Review status: criteria provided, single submitter. Criteria: ACMG Guidelines, 2015. Collection method: clinical testing. Allele origin: germline. Affected: no.

Ambry Genetics
Classification: Uncertain significance for Inborn genetic diseases. Last evaluated: 2021-10-12. Review status: criteria provided, single submitter. Criteria: Ambry Variant Classification Scheme 2023. Collection method: clinical testing. Allele origin: germline.